The following is an entry in ClinVar:

ClinVar aggregate classification (germline): Uncertain significance. Review status: criteria provided, multiple submitters, no conflicts (2 of 4 stars). 3 submissions from 3 submitters: Uncertain significance (3). Last evaluated 2024-09-13.

Conditions:
Primary ciliary dyskinesia. Also called: Ciliary dyskinesia. Identifiers: Orphanet 244, MedGen C0008780, MONDO:0016575, HP:0012265.
Primary ciliary dyskinesia 23 (CILD23). Also called: CILIARY DYSKINESIA, PRIMARY, 23, WITH OR WITHOUT SITUS INVERSUS. Identifiers: Orphanet 244, MedGen C3809548, MONDO:0014193, OMIM 615451.

Allele frequency attached by ClinVar (database versions not stated): gnomAD 0.00001; gnomAD exomes 0.00001; TOPMed 0.00001; ExAC 0.00002.
gnomAD v4.1: 18 of 1,608,692 alleles (0.0011%); highest among the groups gnomAD compares: South Asian, 0.0011%; no homozygotes.

Submissions (3):

Blueprint Genetics
Classification: Uncertain significance. Last evaluated: 2024-09-13. Review status: criteria provided, single submitter. Criteria: ACMG Guidelines, 2015. Collection method: clinical testing. Allele origin: germline.

Labcorp Genetics (formerly Invitae), Labcorp
Classification: Uncertain significance for Primary ciliary dyskinesia 23. Last evaluated: 2023-12-28. Review status: criteria provided, single submitter. Criteria: Invitae Variant Classification Sherloc (09022015). Collection method: clinical testing. Allele origin: germline.
Comment: This sequence change replaces leucine, which is neutral and non-polar, with phenylalanine, which is neutral and non-polar, at codon 182 of the ARMC4 protein (p.Leu182Phe). This variant is present in population databases (rs746285604, gnomAD 0.01%). This variant has not been reported in the literature in individuals affected with ARMC4-related conditions. ClinVar contains an entry for this variant (Variation ID: 1799639). An algorithm developed to predict the effect of missense changes on protein structure and function (PolyPhen-2) suggests that this variant is likely to be disruptive. In summary, the available evidence is currently insufficient to determine the role of this variant in disease. Therefore, it has been classified as a Variant of Uncertain Significance.

Ambry Genetics
Classification: Uncertain significance for Primary ciliary dyskinesia. Last evaluated: 2017-03-30. Review status: criteria provided, single submitter. Criteria: Ambry Variant Classification Scheme 2023. Collection method: clinical testing. Allele origin: germline.
Comment: The p.L182F variant (also known as c.544C>T), located in coding exon 3 of the ARMC4 gene, results from a C to T substitution at nucleotide position 544. The leucine at codon 182 is replaced by phenylalanine, an amino acid with highly similar properties. This amino acid position is highly conserved in available vertebrate species. In addition, this alteration is predicted to be tolerated by in silico analysis. Since supporting evidence is limited at this time, the clinical significance of this alteration remains unclear.

NM_018076.5(ODAD2):c.544C>T (p.Leu182Phe)

Gene: ODAD2 (outer dynein arm docking complex subunit 2; minus strand). Cytogenetic location: 10p12.1.
Variant type: single nucleotide variant.
Coding change: c.544C>T on transcript NM_018076.5 (MANE Select); coding-DNA position 544, C replaced by T.
Protein change: p.Leu182Phe; replaces leucine 182 with phenylalanine.
Molecular consequence: missense variant.
Genome position (GRCh38, 1-based): chr10:27,985,050, G>A on the plus strand (C>T on the coding strand, the complement: ODAD2 is on the minus strand). VCF-style: chr10-27985050-G-A. GRCh37 (hg19) VCF-style: chr10-28273979-G-A.
Other names: c.544C>T, p.Leu182Phe (NM_001290020.2); short protein forms L182F.
Identifiers: ClinVar variation 1799639 (VCV001799639.6), dbSNP rs746285604, ClinGen allele CA5453790.